The following is an entry in ClinVar:

NM_000368.5(TSC1):c.941C>T (p.Thr314Met)

Gene: TSC1 (TSC complex subunit 1; minus strand). Cytogenetic location: 9q34.13.
Variant type: single nucleotide variant.
Coding change: c.941C>T on transcript NM_000368.5 (MANE Select); coding-DNA position 941, C replaced by T.
Protein change: p.Thr314Met; replaces threonine 314 with methionine.
Molecular consequence: missense variant.
Genome position (GRCh38, 1-based): chr9:132,911,541, G>A on the plus strand (C>T on the coding strand, the complement: TSC1 is on the minus strand). VCF-style: chr9-132911541-G-A. GRCh37 (hg19) VCF-style: chr9-135786928-G-A.
Other names: p.T314M:ACG>ATG; c.941C>T, p.Thr314Met (NM_001162426.2); c.788C>T, p.Thr263Met (NM_001162427.2); c.578C>T, p.Thr193Met (NM_001362177.2); short protein forms T314M, T193M, T263M.
Identifiers: ClinVar variation 141980 (VCV000141980.30), dbSNP rs373454700, ClinGen allele CA008439.

ClinVar aggregate classification (germline): Conflicting classifications of pathogenicity. Review status: criteria provided, conflicting classifications (1 of 4 stars). 10 submissions from 10 submitters: Uncertain significance (8); Likely benign (2). Last evaluated 2026-01-18.

Conditions:
Hereditary cancer-predisposing syndrome. Also called: Neoplastic Syndromes, Hereditary; Hereditary Cancer Syndrome; Hereditary neoplastic syndrome; Tumor predisposition. Identifiers: Orphanet 140162, MedGen C0027672, MeSH D009386, MONDO:0015356.
Tuberous sclerosis 1 (TSC1). Identifiers: Orphanet 805, MedGen C1854465, MONDO:0008612, OMIM 191100.
Lymphangiomyomatosis (LAM). Also called: Lymphangioleiomyomatosis; Lymphangioleiomyomatosis, somatic. Identifiers: Orphanet 538, MedGen C0751674, MONDO:0011705, OMIM 606690.
Isolated focal cortical dysplasia type II (FCORD2). Also called: Focal cortical dysplasia type II; CORTICAL DYSPLASIA OF TAYLOR. Identifiers: Orphanet 268994, MedGen C1846385, MONDO:0011818, OMIM 607341, HP:0032051.
Tuberous sclerosis syndrome (TSC). Also called: Tuberous Sclerosis Complex; Tuberous sclerosis. Identifiers: Orphanet 805, MedGen C0041341, MONDO:0001734.

Allele frequency attached by ClinVar (database versions not stated): gnomAD exomes 0.00001 and 0.00010; ExAC 0.00002; TOPMed 0.00002; gnomAD 0.00003; ESP Exome Variant Server 0.00008.
gnomAD v4.1: 143 of 1,607,662 alleles (0.0089%); highest among the groups gnomAD compares: Non-Finnish European, 0.012%; no homozygotes.

Submissions (10):

Labcorp Genetics (formerly Invitae), Labcorp
Classification: Likely benign for Tuberous sclerosis 1. Last evaluated: 2026-01-18. Review status: criteria provided, single submitter. Criteria: Invitae Variant Classification Sherloc (09022015). Collection method: clinical testing. Allele origin: germline.

All of Us Research Program, National Institutes of Health
Classification: Uncertain significance for Tuberous sclerosis syndrome. Last evaluated: 2024-08-06. Review status: criteria provided, single submitter. Criteria: ACMG Guidelines, 2015. Collection method: clinical testing. Allele origin: germline. Inheritance: Autosomal dominant inheritance. Observed: 5 variant alleles, 5 heterozygotes.
Comment: This missense variant replaces threonine with methionine at codon 314 of the TSC1 protein. Computational prediction is inconclusive regarding the impact of this variant on protein structure and function (internally defined REVEL score threshold 0.5 < inconclusive < 0.7, PMID: 27666373). To our knowledge, functional studies have not been reported for this variant. This variant has not been reported in individuals affected with TSC1-related disorders in the literature. This variant has been identified in 4/282178 chromosomes in the general population by the Genome Aggregation Database (gnomAD). The available evidence is insufficient to determine the role of this variant in disease conclusively. Therefore, this variant is classified as a Variant of Uncertain Significance.

This study involves interpretation of variants in research participants for the purpose of population health screening. Participant phenotype was not available at the time of variant classification. Additional details can be found in publication PMID: 35346344, PMCID: PMC8962531

Color Diagnostics, LLC DBA Color Health
Classification: Uncertain significance for Tuberous sclerosis syndrome. Last evaluated: 2023-10-19. Review status: criteria provided, single submitter. Criteria: ACMG Guidelines, 2015. Collection method: clinical testing. Allele origin: germline.
Comment: This missense variant replaces threonine with methionine at codon 314 of the TSC1 protein. Computational prediction is inconclusive regarding the impact of this variant on protein structure and function. To our knowledge, functional studies have not been reported for this variant. This variant has not been reported in individuals affected with TSC1-related disorders in the literature. This variant has been identified in 4/282178 chromosomes in the general population by the Genome Aggregation Database (gnomAD). The available evidence is insufficient to determine the role of this variant in disease conclusively. Therefore, this variant is classified as a Variant of Uncertain Significance.

Genome-Nilou Lab
Classification: Uncertain significance for Tuberous sclerosis 1. Last evaluated: 2021-11-07. Review status: criteria provided, single submitter. Criteria: ACMG Guidelines, 2015. Collection method: clinical testing. Allele origin: germline. Affected: no.

Institute for Clinical Genetics, University Hospital TU Dresden, University Hospital TU Dresden
Classification: Uncertain significance. Last evaluated: 2021-11-03. Review status: criteria provided, single submitter. Criteria: ACMG Guidelines, 2015. Collection method: clinical testing. Allele origin: germline.

Ambry Genetics
Classification: Likely benign for Hereditary cancer-predisposing syndrome. Last evaluated: 2021-05-04. Review status: criteria provided, single submitter. Criteria: Ambry Variant Classification Scheme 2023. Collection method: clinical testing. Allele origin: germline.

Sema4
Classification: Uncertain significance for Hereditary cancer-predisposing syndrome. Last evaluated: 2021-04-14. Review status: criteria provided, single submitter. Criteria: Sema4 Curation Guidelines. Collection method: curation. Allele origin: germline.
Comment: The TSC1 c.941C>T (p.T314M) variant has not been reported in the literature to our knowledge. This variant was observed in 1/18854 chromosomes in the East Asian subpopulation, according to the Genome Aggregation Database (PMID: 32461654). This variant has been reported in ClinVar (Variation ID: 141980). In silico tools suggest the impact of the variant on protein function is inconclusive, though these predictions have not been confirmed by functional studies. There is no indication that this variant causes disease, but the evidence is insufficient currently to prove that conclusively. In summary, the clinical significance of this variant is currently uncertain.

Fulgent Genetics
Classification: Uncertain significance for Tuberous sclerosis 1; Lymphangiomyomatosis; Isolated focal cortical dysplasia type II. Last evaluated: 2018-10-31. Review status: criteria provided, single submitter. Criteria: ACMG Guidelines, 2015. Collection method: clinical testing. Allele origin: unknown.

Eurofins Ntd Llc (ga)
Classification: Uncertain significance. Last evaluated: 2016-07-08. Review status: criteria provided, single submitter. Criteria: EGL Classification Definitions 2015. Collection method: clinical testing. Allele origin: germline. Observed: 1 variant allele, 1 heterozygote.

GeneDx
Classification: Uncertain significance. Last evaluated: 2014-10-24. Review status: criteria provided, single submitter. Criteria: GeneDx Variant Classification (06012015). Collection method: clinical testing. Allele origin: germline. Affected: yes.
Comment: p.Thr314Met (ACG>ATG): c.941 C>T in exon 10 of the TSC1 gene (NM_000368.4). The T314M variant has not been published as a mutation, nor has it been reported as a benign polymorphism to our knowledge. It was not observed with any significant frequency in approximately 6,500 individuals of European and African American ancestry in the NHLBI Exome Sequencing Project. The T314M variant is a non-conservative amino acid substitution, which is likely to impact secondary protein structure as these residues differ in polarity, charge, size and/or other properties. However, this substitution occurs at a position that is not conserved across species, and in silico analysis is inconsistent in its predictions as to whether or not the R314M variant is damaging to the protein structure/function. Additionally, the vast majority of TSC1 mutations result in protein truncation, while missense mutations have been reported only rarely (Northrup et al., 2011; Au et al., 2007). Therefore, based on the currently available information, it is unclear whether this variant is a pathogenic mutation or a rare benign variant. The variant is found in EPILEPSY panel(s).

Literature cited by the submitters: PubMed 29641532 (cited by Ambry Genetics); PubMed 29684080 (cited by Ambry Genetics); PubMed 30842500 (cited by Ambry Genetics).